The following is an entry in ClinVar:

NM_005045.4(RELN):c.7617G>C (p.Leu2539Phe)

Gene: RELN (reelin; minus strand). Cytogenetic location: 7q22.1.
Variant type: single nucleotide variant.
Coding change: c.7617G>C on transcript NM_005045.4 (MANE Select); coding-DNA position 7617, G replaced by C.
Protein change: p.Leu2539Phe; replaces leucine 2539 with phenylalanine.
Molecular consequence: missense variant.
Genome position (GRCh38, 1-based): chr7:103,522,073, C>G on the plus strand (G>C on the coding strand, the complement: RELN is on the minus strand). VCF-style: chr7-103522073-C-G. GRCh37 (hg19) VCF-style: chr7-103162520-C-G.
Other names: c.7617G>C, p.Leu2539Phe (NM_173054.3); short protein forms L2539F.
Identifiers: ClinVar variation 3758236 (VCV003758236.2).

ClinVar aggregate classification (germline): Uncertain significance (1 of 4 stars; one submission).

Conditions:
Norman-Roberts syndrome (LIS2). Also called: Lissencephaly 2 (Norman-Roberts type). Identifiers: Orphanet 89844, MedGen C0796089, MONDO:0009760, OMIM 257320.
Familial temporal lobe epilepsy 7. Identifiers: Orphanet 101046, MedGen C4225327, MONDO:0014639, OMIM 616436.

Submission:

Labcorp Genetics (formerly Invitae), Labcorp
Classification: Uncertain significance for Familial temporal lobe epilepsy 7; Norman-Roberts syndrome. Last evaluated: 2024-11-24. Review status: criteria provided, single submitter. Criteria: Invitae Variant Classification Sherloc (09022015). Collection method: clinical testing. Allele origin: germline.
Comment: This sequence change replaces leucine, which is neutral and non-polar, with phenylalanine, which is neutral and non-polar, at codon 2539 of the RELN protein (p.Leu2539Phe). This variant is not present in population databases (gnomAD no frequency). This variant has not been reported in the literature in individuals affected with RELN-related conditions. Invitae Evidence Modeling of protein sequence and biophysical properties (such as structural, functional, and spatial information, amino acid conservation, physicochemical variation, residue mobility, and thermodynamic stability) indicates that this missense variant is not expected to disrupt RELN protein function with a negative predictive value of 80%. In summary, the available evidence is currently insufficient to determine the role of this variant in disease. Therefore, it has been classified as a Variant of Uncertain Significance.